The following is an entry in ClinVar:

ClinVar aggregate classification (germline): Uncertain significance. Review status: reviewed by expert panel (3 of 4 stars). 11 submissions from 11 submitters: Uncertain significance (1). 10 of the submissions do not count toward it. Last evaluated 2025-07-01.

Conditions:
Cardiac arrhythmia. Also called: Arrhythmia; Cardiac rhythm disease. Identifiers: MedGen C0003811, MONDO:0007263, HP:0011675.
Cardiovascular phenotype. Identifiers: MedGen CN230736.
KCNQ1-related disorder. Also called: KCNQ1-related condition; KCNQ1-related disorders. Identifiers: MedGen CN239322.
Familial long QT syndrome (RWS). Also called: Congenital long QT syndrome; Romano-Ward syndrome; VENTRICULAR FIBRILLATION WITH PROLONGED QT INTERVAL. Identifiers: Orphanet 768, MedGen C1141890, MONDO:0019171.
Long QT syndrome (LQTS). Identifiers: MedGen C0023976, MeSH D008133, MONDO:0002442. Disease mechanism: loss of function. Inheritance: Various modes of inheritance.
Long QT syndrome 1 (LQT1). Identifiers: Orphanet 101016, Orphanet 768, MedGen C4551647, MONDO:0100316, OMIM 192500, MONDO:0008646.

Allele frequency attached by ClinVar (database versions not stated): ExAC 0.00003; TOPMed 0.00008; gnomAD exomes 0.00005.
gnomAD v4.1: 91 of 1,613,688 alleles (0.0056%); highest among the groups gnomAD compares: Admixed American, 0.0083%; no homozygotes.

Submissions (11):

ClinGen Potassium Channel Arrhythmia Variant Curation Expert Panel, ClinGen
Classification: Uncertain significance for Long QT syndrome 1. Last evaluated: 2025-07-01. Review status: reviewed by expert panel. Criteria: ClinGen KChannel ACMG Specifications KCNQ1 V1.0.0 2. Collection method: curation. Allele origin: germline. Inheritance: Autosomal dominant inheritance.
Comment: NM_000218.3(KCNQ1):c.860C>A is a missense variant that replaces alanine with glutamic acid at codon 287. Three missense variants in the same codon, NM_000218.3(KCNQ1):c.859G>T (p.Ala287Ser), NM_000218.3(KCNQ1):c.859G>A (p.Ala287Thr), and NM_000218.3(KCNQ1):c.860C>T (p.Ala287Val), have been reported in association with long QT syndrome (PMID: 23631430, SCV004024206.1, SCV003288475.1) but have not yet been classified for long QT syndrome 1 by the ClinGen Potassium Channel Arrhythmia VCEP, so PM5 is not yet met. This variant is present in gnomAD v.4.1.0 at a maximum allele frequency of 0.00008334, with 5 alleles / 59,998 total alleles in the Admixed American population, which is higher than the ClinGen Potassium Channel Arrhythmia VCEP PM2_Supporting threshold of <0.00001, but lower than the BS1 threshold of >0.0004, so neither criterion is met. This variant has been reported in at least one affected proband with a diagnosis of long QT syndrome, with confirmation of a prolonged QTc interval (PMID: 16414944), however, the requirement for 2 unrelated probands has not been reached so the PS4_Supporting code is not yet met. Available reported details are not sufficiently specific for long QT syndrome 1, so the PP4 code is not met (PMID: 16414944). The computational predictor REVEL gives a score of 0.847, which is above the ClinGen Potassium Channel Arrhythmia VCEP PP3 threshold of >0.75 and predicts a damaging effect on KCNQ1 function (PP3). This variant has been shown to have a non-deleterious impact on KCNQ1 function in a manual patch-clamp assay (PMID:28491751; BS3_Supporting). Also, the Meiler Lab functional impact predictor gave this variant an IKs_classification of normal (confidence score 19.5), V1/2_classification of normal (confidence score 19.5), act_classification of normal (confidence score 51.0), and deact_classification of normal (confidence score 51.0). These confidence scores are all below the thresholds for high confidence scores (>57 for IKs, > 55 for V1/2, >59 for tau_act, and >59 for tau_deact) (PMID: 29021305). In summary, this variant meets the criteria to be classified as a variant of uncertain significance for long QT syndrome 1 based on the ACMG/AMP criteria applied, as specified by the ClinGen Potassium Channel Arrhythmia VCEP: BS3_Supporting and PP3. (VCEP specifications version 1.0.0; date of approval 03/04/2025).

Labcorp Genetics (formerly Invitae), Labcorp
Classification: Uncertain significance for Long QT syndrome. Last evaluated: 2026-01-12. Review status: criteria provided, single submitter. Criteria: Invitae Variant Classification Sherloc (09022015). Collection method: clinical testing. Allele origin: germline. Not counted in ClinVar's aggregate classification.
Comment: This sequence change replaces alanine, which is neutral and non-polar, with glutamic acid, which is acidic and polar, at codon 287 of the KCNQ1 protein (p.Ala287Glu). This variant is present in population databases (rs199472735, gnomAD 0.01%). This missense change has been observed in individual(s) with clinical features of long QT syndrome (PMID: 16414944, 31737537). ClinVar contains an entry for this variant (Variation ID: 53118). Invitae Evidence Modeling of protein sequence and biophysical properties (such as structural, functional, and spatial information, amino acid conservation, physicochemical variation, residue mobility, and thermodynamic stability) has been performed for this missense variant. However, the output from this modeling did not meet the statistical confidence thresholds required to predict the impact of this variant on KCNQ1 protein function. Experimental studies are conflicting or provide insufficient evidence to determine the effect of this variant on KCNQ1 function (PMID: 28491751). In summary, the available evidence is currently insufficient to determine the role of this variant in disease. Therefore, it has been classified as a Variant of Uncertain Significance.

PreventionGenetics, part of Exact Sciences
Classification: Uncertain significance for KCNQ1-related condition. Last evaluated: 2025-04-10. Review status: criteria provided, single submitter. Criteria: ACMG Guidelines, 2015. Collection method: clinical testing. Allele origin: germline. Not counted in ClinVar's aggregate classification.
Comment: The KCNQ1 c.860C>A variant is predicted to result in the amino acid substitution p.Ala287Glu. This variant was reported in individuals with long QT syndrome (Napolitano et al. 2005. PubMed ID: 16414944; Supplemental table, Marschall et al. 2019. PubMed ID: 31737537). Functional studies showed that this variant results in increased normalized current amplitudes in the homomeric state (Figure 3B, Rothenberg et al. 2016. PubMed ID: 28491751). This variant is reported in 0.011% of alleles in individuals of European (Non-Finnish) descent in gnomAD. At this time, the clinical significance of this variant is uncertain due to the absence of conclusive functional and genetic evidence.

Color Diagnostics, LLC DBA Color Health
Classification: Uncertain significance for Cardiac arrhythmia. Last evaluated: 2025-02-03. Review status: criteria provided, single submitter. Criteria: ACMG Guidelines, 2015. Collection method: clinical testing. Allele origin: germline. Not counted in ClinVar's aggregate classification.
Comment: This missense variant replaces alanine with glutamic acid at codon 287 of the KCNQ1 protein. Computational prediction suggests that this variant may have deleterious impact on protein structure and function. A functional study has shown that this variant results in increased peak current amplitudes of the potassium channel (PMID: 28491751). This variant has been reported in individuals affected with or suspected of having long QT syndrome (PMID:16414944, 31737537). This variant has been identified in 13/250332 chromosomes in the general population by the Genome Aggregation Database (gnomAD). The available evidence is insufficient to determine the role of this variant in disease conclusively. Therefore, this variant is classified as a Variant of Uncertain Significance.

GeneDx
Classification: Uncertain significance. Last evaluated: 2024-11-19. Review status: criteria provided, single submitter. Criteria: GeneDx Variant Classification Process June 2021. Collection method: clinical testing. Allele origin: germline. Affected: yes. Not counted in ClinVar's aggregate classification.
Comment: Has been reported in association with LQTS (PMID: 16414944, 31737537); Functional studies in Xenopus oocytes suggest a gain-of-function effect of p.(A287E) with KCNE1, but no effect was observed when expressed with KCNE (PMID: 28491751); In silico analysis indicates that this missense variant does not alter protein structure/function; This variant is associated with the following publications: (PMID: 23631430, 29197658, 34426522, 16414944, 32048431, 31737537, 22581653, 28491751)

All of Us Research Program, National Institutes of Health
Classification: Uncertain significance for Long QT syndrome. Last evaluated: 2024-09-23. Review status: criteria provided, single submitter. Criteria: ACMG Guidelines, 2015. Collection method: clinical testing. Allele origin: germline. Inheritance: Autosomal dominant inheritance. Observed: 19 variant alleles, 19 heterozygotes. Not counted in ClinVar's aggregate classification.
Comment: This missense variant replaces alanine with glutamic acid at codon 287 of the KCNQ1 protein. Computational prediction suggests that this variant may have deleterious impact on protein structure and function (internally defined REVEL score threshold >= 0.7, PMID: 27666373). A functional study has shown that this variant results in increased peak current amplitudes of the ion channels (PMID: 28491751). This variant has been reported in individuals affected with or suspected of long QT syndrome (PMID:16414944, 31737537). This variant has been identified in 13/250332 chromosomes in the general population by the Genome Aggregation Database (gnomAD). The available evidence is insufficient to determine the role of this variant in disease conclusively. Therefore, this variant is classified as a Variant of Uncertain Significance.

This study involves interpretation of variants in research participants for the purpose of population health screening. Participant phenotype was not available at the time of variant classification. Additional details can be found in publication PMID: 35346344, PMCID: PMC8962531

Blueprint Genetics
Classification: Uncertain significance. Last evaluated: 2024-09-05. Review status: criteria provided, single submitter. Criteria: ACMG Guidelines, 2015. Collection method: clinical testing. Allele origin: germline. Not counted in ClinVar's aggregate classification.

CeGaT Center for Human Genetics Tuebingen
Classification: Uncertain significance. Last evaluated: 2022-08-01. Review status: criteria provided, single submitter. Criteria: CeGaT Center For Human Genetics Tuebingen Variant Classification Criteria Version 2. Collection method: clinical testing. Allele origin: germline. Affected: yes. Observed: 1 variant allele. Not counted in ClinVar's aggregate classification.

Laboratory for Molecular Medicine, Mass General Brigham Personalized Medicine
Classification: Uncertain significance. Last evaluated: 2021-10-05. Review status: criteria provided, single submitter. Criteria: ACMG Guidelines, 2015. Collection method: clinical testing. Allele origin: germline. Not counted in ClinVar's aggregate classification.
Comment: The p.Ala287Glu variant in KCNQ1 has been reported in 2 individuals with Long QT syndrome (LQTS) (Napolitano 2006 PMID: 16414944, Marschall 2019 PMID: 31737537). This variant has not been reported in individuals with hearing loss or Jervell and Lange-Nielsen syndrome. It has also been identified in 0.011% (12/112954) of European chromosomes by gnomAD. Computational prediction tools and conservation analyses suggest that this variant may impact the protein, though this information is not predictive enough to determine pathogenicity. In vitro functional studies provide inconclusive evidence regarding how this variant may impact protein function (Rothenberg 2016 PMID: 28491751); however, these types of assays may not accurately represent biological function. In summary, the clinical significance of this variant is uncertain. ACMG/AMP Criteria applied: PP3.

Ambry Genetics
Classification: Uncertain significance for Cardiovascular phenotype. Last evaluated: 2016-11-02. Review status: criteria provided, single submitter. Criteria: Ambry Variant Classification Scheme 2023. Collection method: clinical testing. Allele origin: germline. Not counted in ClinVar's aggregate classification.

Cardiovascular Biomedical Research Unit, Royal Brompton & Harefield NHS Foundation Trust
No classification provided. Condition: Familial long QT syndrome. Review status: no classification provided. Collection method: literature only. Allele origin: germline. Not counted in ClinVar's aggregate classification.
Comment: This variant has been reported as associated with Long QT syndrome in the following publications (PMID:16414944). This is a literature report, and does not necessarily reflect the clinical interpretation of the Imperial College / Royal Brompton Cardiovascular Genetics laboratory.

Literature cited by the submitters: PubMed 29021305 (cited by ClinGen Potassium Channel Arrhythmia Variant Curation Expert Panel, ClinGen); PubMed 28491751 (cited by 5 submitters); PubMed 16414944 (cited by 5 submitters); PubMed 31737537 (cited by 4 submitters); PubMed 32048431 (cited by Laboratory for Molecular Medicine, Mass General Brigham Personalized Medicine); PubMed 22581653 (cited by Cardiovascular Biomedical Research Unit, Royal Brompton & Harefield NHS Foundation Trust).

NM_000218.3(KCNQ1):c.860C>A (p.Ala287Glu)

Gene: KCNQ1 (potassium voltage-gated channel subfamily Q member 1; plus strand). Cytogenetic location: 11p15.5.
Variant type: single nucleotide variant.
Coding change: c.860C>A on transcript NM_000218.3 (MANE Select); coding-DNA position 860, C replaced by A.
Protein change: p.Ala287Glu; replaces alanine 287 with glutamic acid.
Molecular consequence: missense variant.
Genome position (GRCh38, 1-based): chr11:2,572,925, C>A. VCF-style: chr11-2572925-C-A. GRCh37 (hg19) VCF-style: chr11-2594155-C-A.
Other names: NM_000218.3(KCNQ1):c.860C>A; c.860C>A (LRG_287t1); c.860C>A, p.Ala287Glu (NM_001406836.1); c.590C>A, p.Ala197Glu (NM_001406837.1); c.479C>A, p.Ala160Glu (NM_181798.2); short protein forms A287E, A160E, A197E.
Identifiers: ClinVar variation 53118 (VCV000053118.58), dbSNP rs199472735, ClinGen allele CA008494.